The following is an entry in ClinVar:

NM_014915.3(ANKRD26):c.5039T>C (p.Leu1680Pro)

Gene: ANKRD26 (ankyrin repeat domain 26; minus strand). Cytogenetic location: 10p12.1.
Variant type: single nucleotide variant.
Coding change: c.5039T>C on transcript NM_014915.3 (MANE Select); coding-DNA position 5039, T replaced by C.
Protein change: p.Leu1680Pro; replaces leucine 1680 with proline.
Molecular consequence: missense variant.
Genome position (GRCh38, 1-based): chr10:27,005,684, A>G on the plus strand (T>C on the coding strand, the complement: ANKRD26 is on the minus strand). VCF-style: chr10-27005684-A-G. GRCh37 (hg19) VCF-style: chr10-27294613-A-G.
Other names: c.5036T>C, p.Leu1679Pro (NM_001256053.2); short protein forms L1679P, L1680P.
Identifiers: ClinVar variation 4826428 (VCV004826428.1).

ClinVar aggregate classification (germline): Uncertain significance (1 of 4 stars; one submission).

Conditions:
Inborn genetic diseases. Identifiers: MedGen C0950123, MeSH D030342.

Submission:

Ambry Genetics
Classification: Uncertain significance for Inborn genetic diseases. Last evaluated: 2026-03-12. Review status: criteria provided, single submitter. Criteria: Ambry Variant Classification Scheme 2023. Collection method: clinical testing. Allele origin: germline.
Comment: The p.L1680P variant (also known as c.5039T>C), located in coding exon 34 of the ANKRD26 gene, results from a T to C substitution at nucleotide position 5039. The leucine at codon 1680 is replaced by proline, an amino acid with similar properties. This amino acid position is conserved. In addition, this alteration is predicted to be tolerated by in silico analysis. Based on the available evidence, the clinical significance of this variant remains unclear.